The following is an entry in ClinVar:

NM_000562.3(C8A):c.502T>C (p.Tyr168His)

Gene: C8A (complement C8 alpha chain; plus strand). Cytogenetic location: 1p32.2.
Variant type: single nucleotide variant.
Coding change: c.502T>C on transcript NM_000562.3 (MANE Select); coding-DNA position 502, T replaced by C.
Protein change: p.Tyr168His; replaces tyrosine 168 with histidine.
Molecular consequence: missense variant.
Genome position (GRCh38, 1-based): chr1:56,881,482, T>C. VCF-style: chr1-56881482-T-C. GRCh37 (hg19) VCF-style: chr1-57347155-T-C.
Other names: short protein forms Y168H.
Identifiers: ClinVar variation 1949533 (VCV001949533.2), dbSNP rs376646572, ClinGen allele CA875062.

ClinVar aggregate classification (germline): Uncertain significance (1 of 4 stars; one submission).

Allele frequency attached by ClinVar (database versions not stated): ExAC 0.00003; gnomAD 0.00004; ESP Exome Variant Server 0.00008; gnomAD exomes 0.00008.
gnomAD v4.1: 126 of 1,613,636 alleles (0.0078%); highest among the groups gnomAD compares: Non-Finnish European, 0.01%; no homozygotes.

Submission:

Labcorp Genetics (formerly Invitae), Labcorp
Classification: Uncertain significance. Last evaluated: 2022-04-20. Review status: criteria provided, single submitter. Criteria: Invitae Variant Classification Sherloc (09022015). Collection method: clinical testing. Allele origin: germline.
Comment: This sequence change replaces tyrosine, which is neutral and polar, with histidine, which is basic and polar, at codon 168 of the C8A protein (p.Tyr168His). This variant is present in population databases (rs376646572, gnomAD 0.009%). This variant has not been reported in the literature in individuals affected with C8A-related conditions. Algorithms developed to predict the effect of missense changes on protein structure and function (SIFT, PolyPhen-2, Align-GVGD) all suggest that this variant is likely to be disruptive. In summary, the available evidence is currently insufficient to determine the role of this variant in disease. Therefore, it has been classified as a Variant of Uncertain Significance.